The following is an entry in ClinVar:

NM_000211.5(ITGB2):c.260C>G (p.Thr87Ser)

Gene: ITGB2 (integrin subunit beta 2; minus strand). Cytogenetic location: 21q22.3.
Variant type: single nucleotide variant.
Coding change: c.260C>G on transcript NM_000211.5 (MANE Select); coding-DNA position 260, C replaced by G.
Protein change: p.Thr87Ser; replaces threonine 87 with serine.
Molecular consequence: missense variant.
Genome position (GRCh38, 1-based): chr21:44,906,983, G>C on the plus strand (C>G on the coding strand, the complement: ITGB2 is on the minus strand). VCF-style: chr21-44906983-G-C. GRCh37 (hg19) VCF-style: chr21-46326898-G-C.
Other names: c.260C>G, p.Thr87Ser (NM_001127491.3); c.53C>G, p.Thr18Ser (NM_001303238.2); short protein forms T87S, T18S.
Identifiers: ClinVar variation 575943 (VCV000575943.7), dbSNP rs754994927, ClinGen allele CA10063278.

ClinVar aggregate classification (germline): Uncertain significance (1 of 4 stars; one submission).

Conditions:
Leukocyte adhesion deficiency 1 (LAD1). Also called: LEUKOCYTE ADHESION DEFICIENCY, TYPE I; LAD 1; Lymphocyte function-associated antigen 1 immunodeficiency; LFA 1 immunodeficiency. Identifiers: Orphanet 2968, Orphanet 99842, MedGen C0398738, MONDO:0007293, OMIM 116920.

Allele frequency attached by ClinVar (database versions not stated): ExAC 0.00002; TOPMed 0.00002; gnomAD 0.00003.
gnomAD v4.1: 32 of 1,614,072 alleles (0.002%); highest among the groups gnomAD compares: Non-Finnish European, 0.0025%; no homozygotes.

Submission:

Labcorp Genetics (formerly Invitae), Labcorp
Classification: Uncertain significance for Leukocyte adhesion deficiency 1. Last evaluated: 2018-04-10. Review status: criteria provided, single submitter. Criteria: Invitae Variant Classification Sherloc (09022015). Collection method: clinical testing. Allele origin: germline.
Comment: This sequence change replaces threonine with serine at codon 87 of the ITGB2 protein (p.Thr87Ser). The threonine residue is moderately conserved and there is a small physicochemical difference between threonine and serine. This variant is present in population databases (rs754994927, ExAC 0.004%). This variant has not been reported in the literature in individuals with ITGB2-related disease. Algorithms developed to predict the effect of missense changes on protein structure and function (SIFT, PolyPhen-2, Align-GVGD) all suggest that this variant is likely to be tolerated, but these predictions have not been confirmed by published functional studies and their clinical significance is uncertain. In summary, the available evidence is currently insufficient to determine the role of this variant in disease. Therefore, it has been classified as a Variant of Uncertain Significance.